The following is an entry in ClinVar:

NM_001035.3(RYR2):c.4899T>C (p.Pro1633=)

Gene: RYR2 (ryanodine receptor 2; plus strand). Cytogenetic location: 1q43.
Variant type: single nucleotide variant.
Coding change: c.4899T>C on transcript NM_001035.3 (MANE Select); coding-DNA position 4899, T replaced by C.
Protein change: p.Pro1633=; no amino-acid change (proline 1633 retained).
Molecular consequence: synonymous variant.
Genome position (GRCh38, 1-based): chr1:237,610,977, T>C. VCF-style: chr1-237610977-T-C. GRCh37 (hg19) VCF-style: chr1-237774277-T-C.
Other names: c.4899T>C, p.Pro1633= (LRG_402t1).
Identifiers: ClinVar variation 412836 (VCV000412836.21), dbSNP rs1060503853, ClinGen allele CA16610071.

ClinVar aggregate classification (germline): Conflicting classifications of pathogenicity. Review status: criteria provided, conflicting classifications (1 of 4 stars). 6 submissions from 5 submitters: Uncertain significance (2); Likely benign (4). Last evaluated 2025-08-18.

Conditions:
Cardiovascular phenotype. Identifiers: MedGen CN230736.
Catecholaminergic polymorphic ventricular tachycardia (CVPT). Also called: Catecholamine-induced polymorphic ventricular tachycardia. Identifiers: Orphanet 3286, MedGen C5574922, MONDO:0017990.
Cardiomyopathy (CMYO). Also called: Cardiomyopathies. Identifiers: Orphanet 167848, MedGen C0878544, MONDO:0004994, HP:0001638. Inheritance: Various modes of inheritance.
Catecholaminergic polymorphic ventricular tachycardia 1. Also called: VENTRICULAR TACHYCARDIA, STRESS-INDUCED POLYMORPHIC 1; RYR2-Related Catecholaminergic Polymorphic Ventricular Tachycardia; VENTRICULAR TACHYCARDIA, CATECHOLAMINERGIC POLYMORPHIC, 1, WITH OR WITHOUT ATRIAL DYSFUNCTION AND/OR DILATED CARDIOMYOPATHY. Identifiers: Orphanet 3286, MedGen C1631597, MONDO:0011484, OMIM 604772.
Arrhythmogenic right ventricular dysplasia 2. Identifiers: MedGen C1832931.

Allele frequency attached by ClinVar (database versions not stated): gnomAD 0.00002; gnomAD exomes 0.00002; TOPMed 0.00002.
gnomAD v4.1: 25 of 1,612,058 alleles (0.0016%); highest among the groups gnomAD compares: Non-Finnish European, 0.002%; no homozygotes.

Submissions (6):

Labcorp Genetics (formerly Invitae), Labcorp
Classification: Likely benign for Catecholaminergic polymorphic ventricular tachycardia 1. Last evaluated: 2025-08-18. Review status: criteria provided, single submitter. Criteria: Invitae Variant Classification Sherloc (09022015). Collection method: clinical testing. Allele origin: germline.

All of Us Research Program, National Institutes of Health
Classification: Likely benign for Catecholaminergic polymorphic ventricular tachycardia. Last evaluated: 2023-07-07. Review status: criteria provided, single submitter. Criteria: ACMG Guidelines, 2015. Collection method: clinical testing. Allele origin: germline. Inheritance: Autosomal dominant inheritance. Observed: 1 variant allele, 1 heterozygote.
Comment: This study involves interpretation of variants in research participants for the purpose of population health screening. Participant phenotype was not available at the time of variant classification. Additional details can be found in publication PMID: 35346344, PMCID: PMC8962531

Ambry Genetics
Classification: Likely benign for Cardiovascular phenotype. Last evaluated: 2022-10-02. Review status: criteria provided, single submitter. Criteria: Ambry Variant Classification Scheme 2023. Collection method: clinical testing. Allele origin: germline.

Color Diagnostics, LLC DBA Color Health
Classification: Likely benign for Cardiomyopathy. Last evaluated: 2019-04-28. Review status: criteria provided, single submitter. Criteria: ACMG Guidelines, 2015. Collection method: clinical testing. Allele origin: germline.

Illumina Laboratory Services, Illumina
Classification: Uncertain significance for Catecholaminergic polymorphic ventricular tachycardia 1. Last evaluated: 2018-01-13. Review status: criteria provided, single submitter. Criteria: ICSL Variant Classification Criteria 13 December 2019. Collection method: clinical testing. Allele origin: germline.

Illumina Laboratory Services, Illumina
Classification: Uncertain significance for Catecholaminergic polymorphic ventricular tachycardia 1. Last evaluated: 2018-01-13. Review status: criteria provided, single submitter. Criteria: ICSL Variant Classification Criteria 13 December 2019. Collection method: clinical testing. Allele origin: germline.